The following is an entry in ClinVar:

ClinVar aggregate classification (germline): Uncertain significance (1 of 4 stars; one submission).

Submission:

Labcorp Genetics (formerly Invitae), Labcorp
Classification: Uncertain significance. Last evaluated: 2021-01-02. Review status: criteria provided, single submitter. Criteria: Invitae Variant Classification Sherloc (09022015). Collection method: clinical testing. Allele origin: germline.
Comment: In summary, the available evidence is currently insufficient to determine the role of this variant in disease. Therefore, it has been classified as a Variant of Uncertain Significance. Algorithms developed to predict the effect of missense changes on protein structure and function are either unavailable or do not agree on the potential impact of this missense change (SIFT: "Deleterious"; PolyPhen-2: "Not Available"; Align-GVGD: "Class C0"). This variant has not been reported in the literature in individuals with PDZD7-related conditions. The frequency data for this variant in the population databases is considered unreliable, as metrics indicate insufficient coverage at this position in the ExAC database. This sequence change replaces asparagine with isoleucine at codon 749 of the PDZD7 protein (p.Asn749Ile). The asparagine residue is weakly conserved and there is a large physicochemical difference between asparagine and isoleucine.

NM_001195263.2(PDZD7):c.2246A>T (p.Asn749Ile)

Gene: PDZD7 (PDZ domain containing 7; minus strand). Cytogenetic location: 10q24.31.
Variant type: single nucleotide variant.
Coding change: c.2246A>T on transcript NM_001195263.2 (MANE Select); coding-DNA position 2246, A replaced by T.
Protein change: p.Asn749Ile; replaces asparagine 749 with isoleucine.
Molecular consequence: missense variant.
Genome position (GRCh38, 1-based): chr10:101,010,643, T>A on the plus strand (A>T on the coding strand, the complement: PDZD7 is on the minus strand). VCF-style: chr10-101010643-T-A. GRCh37 (hg19) VCF-style: chr10-102770400-T-A.
Other names: short protein forms N749I.
Identifiers: ClinVar variation 1362269 (VCV001362269.8), dbSNP rs2133999493, ClinGen allele CA378224820.
Genomic context (GRCh38, chr10:101,010,643, plus strand): 5'-CGGCCCCGGATCTGGCTCTGCGGAGGGTGCTCTCGGCTCAGGGGTTCTGTCAGCAGCCAG[T>A]TAGGCCGCAGGGGCCGGGGAGCCACGGGGGGTAGCTGGGGAGGGGGTGTGCAGGCAATTC-3'
Protein context (NP_001182192.1, residues 739-759): PPVAPRPLRP[Asn749Ile]WLLTEPLSRE